The following is an entry in ClinVar:

NM_014000.3(VCL):c.849G>A (p.Trp283Ter)

Gene: VCL (vinculin; plus strand). Cytogenetic location: 10q22.2.
Variant type: single nucleotide variant.
Coding change: c.849G>A on transcript NM_014000.3 (MANE Select); coding-DNA position 849, G replaced by A.
Protein change: p.Trp283Ter; replaces tryptophan 283 with a stop codon.
Molecular consequence: nonsense.
Genome position (GRCh38, 1-based): chr10:74,082,519, G>A. VCF-style: chr10-74082519-G-A. GRCh37 (hg19) VCF-style: chr10-75842277-G-A.
Other names: c.849G>A, p.Trp283Ter (NM_003373.4); short protein forms W283*.
Identifiers: ClinVar variation 1525105 (VCV001525105.6), dbSNP rs2136280311, ClinGen allele CA377269727.
Genomic context (GRCh38, chr10:74,082,519, plus strand): 5'-TGAAGCCATGAAGAGAGCATTGGCCTCCATAGACTCCAAACTGAACCAGGCCAAAGGTTG[G>A]CTCCGTGACCCTAGTGCCTCCCCAGGTAACCCTCTAGTTCTGCTTTTCTGATCAATACAA-3'

ClinVar aggregate classification (germline): Uncertain significance (1 of 4 stars; one submission).

Conditions:
Dilated cardiomyopathy 1W (CMD1W). Identifiers: Orphanet 154, MedGen C1969639, MONDO:0012667, OMIM 611407.

Submission:

Labcorp Genetics (formerly Invitae), Labcorp
Classification: Uncertain significance for Dilated cardiomyopathy 1W. Last evaluated: 2023-11-24. Review status: criteria provided, single submitter. Criteria: Invitae Variant Classification Sherloc (09022015). Collection method: clinical testing. Allele origin: germline.
Comment: This sequence change creates a premature translational stop signal (p.Trp283*) in the VCL gene. It is expected to result in an absent or disrupted protein product. However, the current clinical and genetic evidence is not sufficient to establish whether loss-of-function variants in VCL cause disease. This variant is not present in population databases (gnomAD no frequency). This variant has not been reported in the literature in individuals affected with VCL-related conditions. ClinVar contains an entry for this variant (Variation ID: 1525105). Algorithms developed to predict the effect of sequence changes on RNA splicing suggest that this variant may disrupt the consensus splice site. In summary, the available evidence is currently insufficient to determine the role of this variant in disease. Therefore, it has been classified as a Variant of Uncertain Significance.